The following is an entry in ClinVar:

NM_001029896.2(WDR45):c.514G>A (p.Val172Met)

Gene: WDR45 (WD repeat domain 45; minus strand). Cytogenetic location: Xp11.23.
Variant type: single nucleotide variant.
Coding change: c.514G>A on transcript NM_001029896.2 (MANE Select); coding-DNA position 514, G replaced by A.
Protein change: p.Val172Met; replaces valine 172 with methionine.
Molecular consequence: missense variant.
Genome position (GRCh38, 1-based): chrX:49,075,868, C>T on the plus strand (G>A on the coding strand, the complement: WDR45 is on the minus strand). VCF-style: chrX-49075868-C-T. GRCh37 (hg19) VCF-style: chrX-48933527-C-T.
Other names: c.517G>A, p.Val173Met (NM_007075.4); short protein forms V173M, V172M.
Identifiers: ClinVar variation 1425501 (VCV001425501.6), dbSNP rs2147815655, ClinGen allele CA412945081.
Genomic context (GRCh38, chrX:49,075,868, plus strand): 5'-GAGTCCACAAGGAAGCCAGTCCACCAACCTACCCACCCTTGTCCACTGGACGGCTCACCA[C>T]AAGTTGCAGACTCCCACACTTGTGTCCCGGGAACACTAGCAGTTGCTTCTCCAGGCTGGG-3'
Protein context (NP_001025067.1, residues 162-182): PGHKCGSLQL[Val172Met]DLASTKPGTS

ClinVar aggregate classification (germline): Uncertain significance (1 of 4 stars; one submission).

Conditions:
Neurodegeneration with brain iron accumulation 5 (NBIA5). Also called: Beta-propeller protein-associated neurodegeneration; STATIC ENCEPHALOPATHY OF CHILDHOOD WITH NEURODEGENERATION IN ADULTHOOD. Identifiers: Orphanet 329284, MedGen C3550973, MONDO:0010476, OMIM 300894.

Submission:

Labcorp Genetics (formerly Invitae), Labcorp
Classification: Uncertain significance for Neurodegeneration with brain iron accumulation 5. Last evaluated: 2022-12-21. Review status: criteria provided, single submitter. Criteria: Invitae Variant Classification Sherloc (09022015). Collection method: clinical testing. Allele origin: germline.
Comment: This sequence change replaces valine, which is neutral and non-polar, with methionine, which is neutral and non-polar, at codon 173 of the WDR45 protein (p.Val173Met). This variant is not present in population databases (gnomAD no frequency). This variant has not been reported in the literature in individuals affected with WDR45-related conditions. ClinVar contains an entry for this variant (Variation ID: 1425501). Algorithms developed to predict the effect of missense changes on protein structure and function (SIFT, PolyPhen-2, Align-GVGD) all suggest that this variant is likely to be tolerated. Algorithms developed to predict the effect of sequence changes on RNA splicing suggest that this variant may disrupt the consensus splice site. In summary, the available evidence is currently insufficient to determine the role of this variant in disease. Therefore, it has been classified as a Variant of Uncertain Significance.